The following is an entry in ClinVar:

NM_001853.4(COL9A3):c.157G>A (p.Gly53Ser)

Gene: COL9A3 (collagen type IX alpha 3 chain; plus strand). Cytogenetic location: 20q13.33.
Variant type: single nucleotide variant.
Coding change: c.157G>A on transcript NM_001853.4 (MANE Select); coding-DNA position 157, G replaced by A.
Protein change: p.Gly53Ser; replaces glycine 53 with serine.
Molecular consequence: missense variant.
Genome position (GRCh38, 1-based): chr20:62,818,527, G>A. VCF-style: chr20-62818527-G-A. GRCh37 (hg19) VCF-style: chr20-61449879-G-A.
Other names: c.157G>A (NM_001853.3); short protein forms G53S.
Identifiers: ClinVar variation 1427429 (VCV001427429.8), dbSNP rs760414801, ClinGen allele CA9949035.
Genomic context (GRCh38, chr20:62,818,527, plus strand): 5'-CTTGAGGGACCCCTGATTTTCAGGGTTACATGTGGGTGTCTTTCCTCACAGGGAGAAGCT[G>A]GTCCTCCAGGTCTGCCTGGGCCCCCGGTGAGTGTCCCTGGCTGGGGAGACAGCCTTTTTC-3'
Protein context (NP_001844.3, residues 43-63): PGQDGIDGEA[Gly53Ser]PPGLPGPPGP

ClinVar aggregate classification (germline): Uncertain significance. Review status: criteria provided, multiple submitters, no conflicts (2 of 4 stars). 3 submissions from 3 submitters: Uncertain significance (3). Last evaluated 2026-01-08.

Allele frequency attached by ClinVar (database versions not stated): gnomAD exomes 0.00001; ExAC 0.00002.
gnomAD v4.1: 21 of 1,612,954 alleles (0.0013%); highest among the groups gnomAD compares: African/African-American, 0.0027%; no homozygotes.

Submissions (3):

Labcorp Genetics (formerly Invitae), Labcorp
Classification: Uncertain significance. Last evaluated: 2026-01-08. Review status: criteria provided, single submitter. Criteria: Invitae Variant Classification Sherloc (09022015). Collection method: clinical testing. Allele origin: germline.
Comment: This sequence change replaces glycine, which is neutral and non-polar, with serine, which is neutral and polar, at codon 53 of the COL9A3 protein (p.Gly53Ser). This variant is present in population databases (rs760414801, gnomAD 0.004%). This variant has not been reported in the literature in individuals affected with COL9A3-related conditions. ClinVar contains an entry for this variant (Variation ID: 1427429). Invitae Evidence Modeling of protein sequence and biophysical properties (such as structural, functional, and spatial information, amino acid conservation, physicochemical variation, residue mobility, and thermodynamic stability) indicates that this missense variant is expected to disrupt COL9A3 protein function with a positive predictive value of 95%. In summary, the available evidence is currently insufficient to determine the role of this variant in disease. Therefore, it has been classified as a Variant of Uncertain Significance.

GeneDx
Classification: Uncertain significance. Last evaluated: 2024-04-02. Review status: criteria provided, single submitter. Criteria: GeneDx Variant Classification Process June 2021. Collection method: clinical testing. Allele origin: germline. Affected: yes.
Comment: Has not been previously published as pathogenic or benign to our knowledge; Not observed at significant frequency in large population cohorts (gnomAD); In silico analysis supports that this missense variant has a deleterious effect on protein structure/function

Blueprint Genetics
Classification: Uncertain significance. Last evaluated: 2022-06-10. Review status: criteria provided, single submitter. Criteria: ACMG Guidelines, 2015. Collection method: clinical testing. Allele origin: germline.